The following is an entry in ClinVar:

ClinVar aggregate classification (germline): Uncertain significance (1 of 4 stars; one submission).

Submission:

GeneDx
Classification: Uncertain significance. Last evaluated: 2024-05-08. Review status: criteria provided, single submitter. Criteria: GeneDx Variant Classification Process June 2021. Collection method: clinical testing. Allele origin: germline. Affected: yes.
Comment: Not observed at significant frequency in large population cohorts (gnomAD); In silico analysis supports that this missense variant has a deleterious effect on protein structure/function; Has not been previously published as pathogenic or benign to our knowledge

NM_001128840.3(CACNA1D):c.976T>C (p.Cys326Arg)

Gene: CACNA1D (calcium voltage-gated channel subunit alpha1 D; plus strand). Cytogenetic location: 3p21.1.
Variant type: single nucleotide variant.
Coding change: c.976T>C on transcript NM_001128840.3 (MANE Select); coding-DNA position 976, T replaced by C.
Protein change: p.Cys326Arg; replaces cysteine 326 with arginine.
Molecular consequence: missense variant.
Genome position (GRCh38, 1-based): chr3:53,666,395, T>C. VCF-style: chr3-53666395-T-C. GRCh37 (hg19) VCF-style: chr3-53700422-T-C.
Other names: c.976T>C, p.Cys326Arg (NM_000720.4, NM_001128839.3); short protein forms C326R.
Identifiers: ClinVar variation 3378160 (VCV003378160.1).